The following is an entry in ClinVar:

ClinVar aggregate classification (germline): Uncertain significance (1 of 4 stars; one submission).

Conditions:
Hypogonadotropic hypogonadism 9 with or without anosmia (HH9). Also called: NELF-Related Hypogonadotropic Hypogonadism; HYPOGONADOTROPIC HYPOGONADISM 9 WITHOUT ANOSMIA, SUSCEPTIBILITY TO; HYPOGONADOTROPIC HYPOGONADISM 9 WITH ANOSMIA, SUSCEPTIBILITY TO. Identifiers: Orphanet 478, MedGen C3553842, MONDO:0013911, OMIM 614838.

Allele frequency attached by ClinVar (database versions not stated): gnomAD exomes below 0.00001; TOPMed below 0.00001; gnomAD 0.00001.
gnomAD v4.1: 4 of 1,600,828 alleles (0.00025%); highest among the groups gnomAD compares: Non-Finnish European, 0.00034%; no homozygotes.

Submission:

MVZ Medizinische Genetik Mainz
Classification: Uncertain significance for Hypogonadotropic hypogonadism 9 with or without anosmia. Last evaluated: 2021-09-22. Review status: criteria provided, single submitter. Criteria: UK Practice Guidelines For Variant Classification V4 01 2020. Collection method: clinical testing. Allele origin: germline. Inheritance: Autosomal dominant inheritance. Affected: yes. Observed: 1 variant allele.
Comment: ACMG Criteria: PM2_SUP, PP3

NM_001130969.3(NSMF):c.919G>C (p.Asp307His)

Gene: NSMF (NMDA receptor synaptonuclear signaling and neuronal migration factor; minus strand). Cytogenetic location: 9q34.3.
Variant type: single nucleotide variant.
Coding change: c.919G>C on transcript NM_001130969.3 (MANE Select); coding-DNA position 919, G replaced by C.
Protein change: p.Asp307His; replaces aspartic acid 307 with histidine.
Molecular consequence: missense variant. On other transcripts: intron variant (1).
Genome position (GRCh38, 1-based): chr9:137,453,734, C>G on the plus strand (G>C on the coding strand, the complement: NSMF is on the minus strand). VCF-style: chr9-137453734-C-G. GRCh37 (hg19) VCF-style: chr9-140348186-C-G.
Other names: c.850G>C, p.Asp284His (NM_001130970.2); c.844G>C, p.Asp282His (NM_001130971.2); c.913G>C, p.Asp305His (NM_015537.5, NM_182780.1); c.833-554G>C (NM_001178064.2); short protein forms D282H, D284H, D305H, D307H.
Identifiers: ClinVar variation 3235192 (VCV003235192.1), dbSNP rs1436893188.